The following is an entry in ClinVar:

ClinVar aggregate classification (germline): Uncertain significance. Review status: criteria provided, multiple submitters, no conflicts (2 of 4 stars). 3 submissions from 3 submitters: Uncertain significance (3). Last evaluated 2025-06-22.

Conditions:
Cardiovascular phenotype. Identifiers: MedGen CN230736.
Hereditary cancer-predisposing syndrome. Also called: Neoplastic Syndromes, Hereditary; Hereditary Cancer Syndrome; Tumor predisposition; Hereditary neoplastic syndrome. Identifiers: Orphanet 140162, MedGen C0027672, MeSH D009386, MONDO:0015356.
Noonan syndrome 10 (NS10). Identifiers: Orphanet 648, MedGen C4225280, MONDO:0014693, OMIM 616564.

Allele frequency attached by ClinVar (database versions not stated): gnomAD exomes 0.00001; ExAC 0.00002.
gnomAD v4.1: 4 of 1,594,808 alleles (0.00025%); highest among the groups gnomAD compares: Admixed American, 0.0051%; no homozygotes.

Submissions (3):

Labcorp Genetics (formerly Invitae), Labcorp
Classification: Uncertain significance. Last evaluated: 2025-06-22. Review status: criteria provided, single submitter. Criteria: Invitae Variant Classification Sherloc (09022015). Collection method: clinical testing. Allele origin: germline.
Comment: This sequence change replaces arginine, which is basic and polar, with serine, which is neutral and polar, at codon 418 of the LZTR1 protein (p.Arg418Ser). This variant is present in population databases (rs746064505, gnomAD 0.01%). This variant has not been reported in the literature in individuals affected with LZTR1-related conditions. ClinVar contains an entry for this variant (Variation ID: 998213). Invitae Evidence Modeling of protein sequence and biophysical properties (such as structural, functional, and spatial information, amino acid conservation, physicochemical variation, residue mobility, and thermodynamic stability) indicates that this missense variant is not expected to disrupt LZTR1 protein function with a negative predictive value of 80%. In summary, the available evidence is currently insufficient to determine the role of this variant in disease. Therefore, it has been classified as a Variant of Uncertain Significance.

Ambry Genetics
Classification: Uncertain significance for Cardiovascular phenotype; Hereditary cancer-predisposing syndrome. Last evaluated: 2024-09-12. Review status: criteria provided, single submitter. Criteria: Ambry Variant Classification Scheme 2023. Collection method: clinical testing. Allele origin: germline.
Comment: The p.R418S variant (also known as c.1254G>C), located in coding exon 11 of the LZTR1 gene, results from a G to C substitution at nucleotide position 1254. The arginine at codon 418 is replaced by serine, an amino acid with dissimilar properties. This amino acid position is conserved. In addition, the in silico prediction for this alteration is inconclusive. Based on the available evidence, the clinical significance of this variant remains unclear.

Baylor Genetics
Classification: Uncertain significance for Noonan syndrome 10. Last evaluated: 2020-06-05. Review status: criteria provided, single submitter. Criteria: ACMG Guidelines, 2015. Collection method: clinical testing. Allele origin: unknown. Affected: yes. Study: CSER-TexasKidsCanSeq.
Comment: This variant was determined to be of uncertain significance according to ACMG Guidelines, 2015 [PMID:25741868].

NM_006767.4(LZTR1):c.1254G>C (p.Arg418Ser)

Gene: LZTR1 (leucine zipper like post translational regulator 1; plus strand). Cytogenetic location: 22q11.21.
Variant type: single nucleotide variant.
Coding change: c.1254G>C on transcript NM_006767.4 (MANE Select); coding-DNA position 1254, G replaced by C.
Protein change: p.Arg418Ser; replaces arginine 418 with serine.
Molecular consequence: missense variant.
Genome position (GRCh38, 1-based): chr22:20,992,898, G>C. VCF-style: chr22-20992898-G-C. GRCh37 (hg19) VCF-style: chr22-21347187-G-C.
Other names: short protein forms R418S.
Identifiers: ClinVar variation 998213 (VCV000998213.3), dbSNP rs746064505, ClinGen allele CA10118770.
Genomic context (GRCh38, chr22:20,992,898, plus strand): 5'-CGCCATGTACATCTTCGGGGGCACGGTGGACAACAACATCCGCAGCGGGGAGATGTACAG[G>C]TTCCAGGTGTGGGGCCTGTGGGCCTGTAGAGCCGGCTGGGTGGACGGATCCCCCGTGATG-3'
Protein context (NP_006758.2, residues 408-428): DNNIRSGEMY[Arg418Ser]FQFSCYPKCT